The following is an entry in ClinVar:

NM_181486.4(TBX5):c.1041del (p.Ser348fs)

Gene: TBX5 (T-box transcription factor 5; minus strand). Cytogenetic location: 12q24.21.
Variant type: Deletion.
Coding change: c.1041del on transcript NM_181486.4 (MANE Select); coding-DNA position 1041, one base deleted (C; older notation c.1041delC).
Protein change: p.Ser348fs; shifts the reading frame from serine 348.
Molecular consequence: frameshift variant.
Genome position (GRCh38, 1-based): chr12:114,356,048, G deleted on the plus strand (C on the coding strand, the reverse complement: TBX5 is on the minus strand); the first of 3 consecutive G bases (chr12:114,356,048-114,356,050); deleting any one gives the same sequence. VCF-style (leftmost placement, unchanged base first): chr12-114356047-TG-T. GRCh37 (hg19) VCF-style: chr12-114793852-TG-T.
Other names: c.1041del, p.Ser348fs (NM_000192.3); c.891del, p.Ser298fs (NM_080717.4); short protein forms S348fs, S298fs.
Identifiers: ClinVar variation 3727096 (VCV003727096.2).
Genomic context (GRCh38, chr12:114,356,047, plus strand): 5'-AGGAGGCACCCAGGCCCTGCTGCTGTGGATAGCTAGAGCGGTAGAAGGAATCTTCTTCAC[TG>T]GGTGATGTCTCCATGTAGGGCTTCTTATAGGGATGGTCTGTGGTGGAACATTCTTCCTCT-3'

ClinVar aggregate classification (germline): Pathogenic (1 of 4 stars; one submission).

Conditions:
Aortic valve disease 2 (AOVD2). Identifiers: MedGen C3542024, MONDO:0013902, OMIM 614823.

Submission:

Labcorp Genetics (formerly Invitae), Labcorp
Classification: Pathogenic for Aortic valve disease 2. Last evaluated: 2024-12-12. Review status: criteria provided, single submitter. Criteria: Invitae Variant Classification Sherloc (09022015). Collection method: clinical testing. Allele origin: germline.
Comment: This sequence change creates a premature translational stop signal (p.Ser348Valfs*46) in the TBX5 gene. While this is not anticipated to result in nonsense mediated decay, it is expected to disrupt the last 171 amino acid(s) of the TBX5 protein. This variant is not present in population databases (gnomAD no frequency). This variant has not been reported in the literature in individuals affected with TBX5-related conditions. This variant disrupts a region of the TBX5 protein in which other variant(s) (p.Tyr368*) have been determined to be pathogenic (internal data). This suggests that this is a clinically significant region of the protein, and that variants that disrupt it are likely to be disease-causing. For these reasons, this variant has been classified as Pathogenic.